The following is an entry in ClinVar:

ClinVar aggregate classification (germline): Conflicting classifications of pathogenicity. Review status: criteria provided, conflicting classifications (1 of 4 stars). 2 submissions from 2 submitters: Uncertain significance (1); Likely benign (1). Last evaluated 2025-03-07.

Allele frequency attached by ClinVar (database versions not stated): gnomAD exomes 0.00002; TOPMed 0.00003; ExAC 0.00010; gnomAD 0.00002.
gnomAD v4.1: 28 of 1,550,356 alleles (0.0018%); highest among the groups gnomAD compares: East Asian, 0.0073%; no homozygotes.

Submissions (2):

Labcorp Genetics (formerly Invitae), Labcorp
Classification: Uncertain significance. Last evaluated: 2025-03-07. Review status: criteria provided, single submitter. Criteria: Invitae Variant Classification Sherloc (09022015). Collection method: clinical testing. Allele origin: germline.
Comment: This sequence change replaces glutamic acid, which is acidic and polar, with lysine, which is basic and polar, at codon 75 of the TMEM240 protein (p.Glu75Lys). This variant is present in population databases (rs755714285, gnomAD 0.03%). This missense change has been observed in individual(s) with clinical features of spinocerebellar ataxia (PMID: 29915382). ClinVar contains an entry for this variant (Variation ID: 2915330). An algorithm developed to predict the effect of missense changes on protein structure and function (PolyPhen-2) suggests that this variant is likely to be disruptive. In summary, the available evidence is currently insufficient to determine the role of this variant in disease. Therefore, it has been classified as a Variant of Uncertain Significance.

Laboratory of Genetics, Children's Clinical University Hospital Latvia
Classification: Likely benign. Last evaluated: 2025-02-16. Review status: criteria provided, single submitter. Criteria: ACMG Guidelines, 2015. Collection method: clinical testing. Allele origin: germline. Affected: yes.

Literature cited by the submitters: PubMed 29915382 (cited by Labcorp Genetics (formerly Invitae), Labcorp).

NM_001114748.2(TMEM240):c.223G>A (p.Glu75Lys)

Gene: TMEM240 (transmembrane protein 240; minus strand). Cytogenetic location: 1p36.33.
Variant type: single nucleotide variant.
Coding change: c.223G>A on transcript NM_001114748.2 (MANE Select); coding-DNA position 223, G replaced by A.
Protein change: p.Glu75Lys; replaces glutamic acid 75 with lysine.
Molecular consequence: missense variant.
Genome position (GRCh38, 1-based): chr1:1,535,739, C>T on the plus strand (G>A on the coding strand, the complement: TMEM240 is on the minus strand). VCF-style: chr1-1535739-C-T. GRCh37 (hg19) VCF-style: chr1-1471119-C-T.
Other names: short protein forms E75K.
Identifiers: ClinVar variation 2915330 (VCV002915330.4), dbSNP rs755714285, ClinGen allele CA526692.